The following is an entry in ClinVar:

NM_032383.5(HPS3):c.218-808_719del

Gene: HPS3 (HPS3 biogenesis of lysosomal organelles complex 2 subunit 1; plus strand). Cytogenetic location: 3q24.
Variant type: Deletion.
Coding change: c.218-808_719del on transcript NM_032383.5 (MANE Select); 808 bases into the intron before coding-DNA position 218 through coding-DNA position 719, 1,828 bases deleted.
Molecular consequence: splice acceptor variant, splice donor variant.
Genome position (GRCh38, 1-based): chr3:149,139,196-149,141,023, 1,828 bases deleted. GRCh37 (hg19): chr3:148,856,983-148,858,810.
Other names: c.218-1821_224del (NM_001308258.2).
Identifiers: ClinVar variation 836931 (VCV000836931.1), ClinGen allele CA916082612.

ClinVar aggregate classification (germline): Likely pathogenic (1 of 4 stars; one submission).

Submission:

Labcorp Genetics (formerly Invitae), Labcorp
Classification: Likely pathogenic. Last evaluated: 2019-12-31. Review status: criteria provided, single submitter. Criteria: Invitae Variant Classification Sherloc (09022015). Collection method: clinical testing. Allele origin: germline.
Comment: This variant results in the deletion of exon 2 and part of exon 3 (c.218-808_719del) of the HPS3 gene. It is expected to disrupt RNA splicing and likely results in an absent or disrupted protein product. This variant has not been reported in the literature in individuals with HPS3-related conditions. Loss-of-function variants in HPS3 are known to be pathogenic (PMID: 11590544). In summary, the currently available evidence indicates that the variant is pathogenic, but additional data are needed to prove that conclusively. Therefore, this variant has been classified as Likely Pathogenic.